The following is an entry in ClinVar:

NM_001258392.3(CLPB):c.193G>T (p.Gly65Ter)

Genes: CLPB (ClpB family mitochondrial disaggregase; minus strand), LOC130006336 (ATAC-STARR-seq lymphoblastoid active region 5191; plus strand). Cytogenetic location: 11q13.4.
Variant type: single nucleotide variant.
Coding change: c.193G>T on transcript NM_001258392.3 (MANE Select); coding-DNA position 193, G replaced by T.
Protein change: p.Gly65Ter; replaces glycine 65 with a stop codon.
Molecular consequence: nonsense. On other transcripts: 5 prime UTR variant (1).
Genome position (GRCh38, 1-based): chr11:72,434,282, C>A on the plus strand (G>T on the coding strand, the complement: CLPB is on the minus strand). VCF-style: chr11-72434282-C-A. GRCh37 (hg19) VCF-style: chr11-72145326-C-A.
Other names: c.193G>T, p.Gly65Ter (NM_001258393.3, NM_030813.6); c.-50G>T (NM_001258394.3); short protein forms G65*.
Identifiers: ClinVar variation 856343 (VCV000856343.8), dbSNP rs368496010, ClinGen allele CA381963453.

ClinVar aggregate classification (germline): Pathogenic (1 of 4 stars; one submission).

Conditions:
3-methylglutaconic aciduria, type VIIB (MGCA7B). Also called: 3-methylglutaconic aciduria with cataracts, neurologic involvement and neutropenia; CLPB Deficiency; 3-methylglutaconic aciduria, type VII, with cataracts, neurologic involvement and neutropenia. Identifiers: Orphanet 445038, MedGen C5676893, MONDO:0014561, OMIM 616271.

gnomAD v4.1: 2 of 1,612,302 alleles (0.00012%); highest among the groups gnomAD compares: South Asian, 0.0011%; no homozygotes.

Submission:

Labcorp Genetics (formerly Invitae), Labcorp
Classification: Pathogenic for 3-methylglutaconic aciduria, type VIIB. Last evaluated: 2019-11-25. Review status: criteria provided, single submitter. Criteria: Invitae Variant Classification Sherloc (09022015). Collection method: clinical testing. Allele origin: germline.
Comment: This sequence change creates a premature translational stop signal (p.Gly65*) in the CLPB gene. It is expected to result in an absent or disrupted protein product. For these reasons, this variant has been classified as Pathogenic. Loss-of-function variants in CLPB are known to be pathogenic (PMID: 25597510, 28687938). This variant has not been reported in the literature in individuals with CLPB-related conditions. This variant is not present in population databases (ExAC no frequency).

Literature cited by the submitters: PubMed 25597510; PubMed 28687938.